The following is an entry in ClinVar:

NM_001283009.2(RTEL1):c.3500G>A (p.Gly1167Asp)

Genes: RTEL1 (regulator of telomere elongation helicase 1; plus strand), RTEL1-TNFRSF6B (RTEL1-TNFRSF6B readthrough (NMD candidate); plus strand). Cytogenetic location: 20q13.33.
Variant type: single nucleotide variant.
Coding change: c.3500G>A on transcript NM_001283009.2 (MANE Select); coding-DNA position 3500, G replaced by A.
Protein change: p.Gly1167Asp; replaces glycine 1167 with aspartic acid.
Molecular consequence: missense variant. On other transcripts: non-coding transcript variant (1).
Genome position (GRCh38, 1-based): chr20:63,695,328, G>A. VCF-style: chr20-63695328-G-A. GRCh37 (hg19) VCF-style: chr20-62326681-G-A.
Other names: c.2831G>A, p.Gly944Asp (NM_001283010.1); c.3500G>A, p.Gly1167Asp (NM_016434.4); c.3572G>A, p.Gly1191Asp (NM_032957.5); short protein forms G1167D, G1191D, G944D.
Identifiers: ClinVar variation 3435955 (VCV003435955.1).

ClinVar aggregate classification (germline): Uncertain significance (1 of 4 stars; one submission).

Conditions:
Inborn genetic diseases. Identifiers: MedGen C0950123, MeSH D030342.

gnomAD v4.1: 5 of 1,562,654 alleles (0.00032%); highest among the groups gnomAD compares: Non-Finnish European, 0.00035%; no homozygotes.

Submission:

Ambry Genetics
Classification: Uncertain significance for Inborn genetic diseases. Last evaluated: 2024-11-22. Review status: criteria provided, single submitter. Criteria: Ambry Variant Classification Scheme 2023. Collection method: clinical testing. Allele origin: germline.
Comment: The p.G1167D variant (also known as c.3500G>A) is located in coding exon 33 of the RTEL1 gene. The glycine at codon 1167 is replaced by aspartic acid, an amino acid with similar properties. This change occurs in the first base pair of coding exon 33. This amino acid position is conserved. In addition, this alteration is predicted to be tolerated by in silico analysis. Based on the available evidence, the clinical significance of this variant remains unclear.